The following is an entry in ClinVar:

ClinVar aggregate classification (germline): Uncertain significance. Review status: criteria provided, multiple submitters, no conflicts (2 of 4 stars). 2 submissions from 2 submitters: Uncertain significance (2). Last evaluated 2024-02-28.

Conditions:
Xanthinuria type II. Also called: Xanthine dehydrogenase and aldehyde oxidase combined deficiency of; XDH and AOX dual deficiency. Identifiers: Orphanet 3467, Orphanet 93602, MedGen C1863688, MONDO:0011346, OMIM 603592.
Hereditary xanthinuria type 1 (XAN1). Identifiers: Orphanet 3467, Orphanet 93601, MedGen C0268118, MONDO:0010209, OMIM 278300.

Allele frequency attached by ClinVar (database versions not stated): gnomAD exomes below 0.00001.
gnomAD v4.1: 1 of 1,614,098 alleles (0.000062%); highest among the groups gnomAD compares: Non-Finnish European, 0.000085%; no homozygotes.

Submissions (2):

Fulgent Genetics
Classification: Uncertain significance for Hereditary xanthinuria type 1. Last evaluated: 2024-02-28. Review status: criteria provided, single submitter. Criteria: ACMG Guidelines, 2015. Collection method: clinical testing. Allele origin: germline.

Labcorp Genetics (formerly Invitae), Labcorp
Classification: Uncertain significance for Xanthinuria type II. Last evaluated: 2022-07-30. Review status: criteria provided, single submitter. Criteria: Invitae Variant Classification Sherloc (09022015). Collection method: clinical testing. Allele origin: germline.
Comment: In summary, the available evidence is currently insufficient to determine the role of this variant in disease. Therefore, it has been classified as a Variant of Uncertain Significance. Algorithms developed to predict the effect of missense changes on protein structure and function are either unavailable or do not agree on the potential impact of this missense change (SIFT: "Tolerated"; PolyPhen-2: "Probably Damaging"; Align-GVGD: "Class C0"). This variant has not been reported in the literature in individuals affected with XDH-related conditions. This variant is not present in population databases (gnomAD no frequency). This sequence change replaces threonine, which is neutral and polar, with alanine, which is neutral and non-polar, at codon 510 of the XDH protein (p.Thr510Ala).

NM_000379.4(XDH):c.1528A>G (p.Thr510Ala)

Gene: XDH (xanthine dehydrogenase; minus strand). Cytogenetic location: 2p23.1.
Variant type: single nucleotide variant.
Coding change: c.1528A>G on transcript NM_000379.4 (MANE Select); coding-DNA position 1528, A replaced by G.
Protein change: p.Thr510Ala; replaces threonine 510 with alanine.
Molecular consequence: missense variant.
Genome position (GRCh38, 1-based): chr2:31,375,454, T>C on the plus strand (A>G on the coding strand, the complement: XDH is on the minus strand). VCF-style: chr2-31375454-T-C. GRCh37 (hg19) VCF-style: chr2-31598320-T-C.
Other names: short protein forms T510A.
Identifiers: ClinVar variation 2034802 (VCV002034802.5), dbSNP rs2465369852, ClinGen allele CA346507365.
Genomic context (GRCh38, chr2:31,375,454, plus strand): 5'-CTTGGCCCAGCTTCTGAAGGACTGTCAGGTAGAACTTGAAGAAGAAGCTGAGGGTGAGGG[T>C]GCACCGGAAGTCCACCATGCCACCAGGGGCATCGGGAGGCAGATGCAGCTCCTCTGCCAG-3'
Protein context (NP_000370.2, residues 500-520): APGGMVDFRC[Thr510Ala]LTLSFFFKFY